The following is an entry in ClinVar:

NM_000138.5(FBN1):c.1726T>C (p.Cys576Arg)

Gene: FBN1 (fibrillin 1; minus strand). Cytogenetic location: 15q21.1.
Variant type: single nucleotide variant.
Coding change: c.1726T>C on transcript NM_000138.5 (MANE Select); coding-DNA position 1726, T replaced by C.
Protein change: p.Cys576Arg; replaces cysteine 576 with arginine.
Molecular consequence: missense variant.
Genome position (GRCh38, 1-based): chr15:48,508,693, A>G on the plus strand (T>C on the coding strand, the complement: FBN1 is on the minus strand). VCF-style: chr15-48508693-A-G. GRCh37 (hg19) VCF-style: chr15-48800890-A-G.
Other names: p.Cys576Arg; short protein forms C576R.
Identifiers: ClinVar variation 1343366 (VCV001343366.4), dbSNP rs794728174, ClinGen allele CA392340654.

ClinVar aggregate classification (germline): Pathogenic (1 of 4 stars; one submission).

Submission:

Mayo Clinic Laboratories, Mayo Clinic
Classification: Pathogenic. Last evaluated: 2021-05-20. Review status: criteria provided, single submitter. Criteria: ACMG Guidelines, 2015. Collection method: clinical testing. Allele origin: germline.
Comment: PM1, PM2, PM5, PP3, PP4, PP1

Literature cited by the submitters: PubMed 25652356.